The following is an entry in ClinVar:

ClinVar aggregate classification (germline): Pathogenic. Review status: reviewed by expert panel (3 of 4 stars). 16 submissions from 16 submitters: Pathogenic (1). 15 of the submissions do not count toward it. Last evaluated 2025-02-25.

Conditions:
DYSF-related disorder. Also called: DYSF-related disorders; DYSF-related condition.
Autosomal recessive limb-girdle muscular dystrophy. Identifiers: Orphanet 102015, MedGen C2931907, MONDO:0015152.
Neuromuscular disease caused by qualitative or quantitative defects of dysferlin. Also called: Qualitative or quantitative defects of dysferlin; Dysferlinopathy. Identifiers: Orphanet 207073, MedGen C2931687, MONDO:0016145.
Distal myopathy with anterior tibial onset. Identifiers: Orphanet 178400, MedGen C1847532, MONDO:0011721, OMIM 606768.
Miyoshi muscular dystrophy 1 (MMD1). Identifiers: Orphanet 45448, MedGen C4551973, MONDO:0024545, OMIM 254130.
Autosomal recessive limb-girdle muscular dystrophy type 2B (LGMDR2). Also called: Limb-girdle muscular dystrophy, type 2B; MUSCULAR DYSTROPHY, LIMB-GIRDLE, TYPE 3; MUSCULAR DYSTROPHY, LIMB-GIRDLE, AUTOSOMAL RECESSIVE 2; Limb-Girdle Muscular Dystrophy Type 2B (LGMD2B). Identifiers: Orphanet 268, MedGen C1850889, MONDO:0009676, OMIM 253601.

Allele frequency attached by ClinVar (database versions not stated): TOPMed 0.00002; gnomAD 0.00004 and 0.00005; gnomAD exomes 0.00005 and 0.00009; ExAC 0.00005.

Submissions 1 to 11 of 16:

ClinGen Limb Girdle Muscular Dystrophy Variant Curation Expert Panel, ClinGen
Classification: Pathogenic for Autosomal recessive limb-girdle muscular dystrophy. Last evaluated: 2025-02-25. Review status: reviewed by expert panel. Criteria: ClinGen LGMD VCEP ACMG Specifications DYSF V1.0.0. Collection method: curation. Allele origin: germline. Inheritance: Autosomal recessive inheritance.
Comment: The NM_003494.4: c.5979dup p.(Glu1994ArgfsTer3) variant in DYSF, which is also known as NM_001130987.2: c.6096dup p.(Glu2033ArgfsTer3), is a frameshift variant predicted to cause a premature stop codon in biologically relevant exon 53/55, leading to nonsense mediated decay in a gene in which loss of function is an established disease mechanism (PVS1). This variant has been reported in at least seven unrelated individuals with features consistent with LGMD (PMID: 26404900, 14678801, 36983702, 18853459), including in a homozygous state (0.25 pts, PMID: 18853459) and in unknown phase with a variant classified as at least likely pathogenic (NM_003494.4: c.5057+5G>A, 0.25 pts, PMID: 36983702) (PM3_Supporting). At least one patient with this variant displayed progressive limb girdle muscle weakness and severely reduced or absent dysferlin protein expression in skeletal muscle or blood monocytes, which is highly specific for DYSF-associated LGMD (PP4_Strong, PMID: 14678801, 36983702, 18853459). The filtering allele frequency of this variant is 0.0003511 (the upper threshold of the 95% CI of 9/44724 Admixed American exome chromosomes) in gnomAD v4.1.0, which is greater than the ClinGen LGMD VCEP threshold (≤0.0001) (PM2_Supporting not met). In summary, this variant meets the criteria to be classified as Pathogenic for autosomal recessive limb-girdle muscular dystrophy based on the ACMG/AMP criteria applied, as specified by the ClinGen LGMD VCEP (LGMD VCEP specifications version 1.0.0; 02/25/2025): PVS1, PM3_Supporting, PP4_Strong.

OLLIN Analises Genomicas, OLLIN
Classification: Pathogenic for Miyoshi muscular dystrophy 1. Last evaluated: 2026-08-06. Review status: criteria provided, single submitter. Criteria: ACMG Guidelines 2015 PMID 25741868. Collection method: clinical testing. Allele origin: germline. Inheritance: Autosomal recessive inheritance. Not counted in ClinVar's aggregate classification.
Comment: This frameshift variant, located in exon 54 (of 56), has been reported in ClinVar (accession VCV000094351.34), in gnomAD with an allele frequency of 0.0085%, and in the scientific literature, in compound heterozygosity, in individuals with DYSF related disorders (PMID: 22194990). This variant causes a frameshift and introduces a premature stop codon, which is predicted to result in either a truncated protein or degradation of the mRNA via nonsense-mediated decay (NMD). According to the currently available evidence, this variant has been classified as pathogenic (PVS1, PM2_P, PM3_S, PP4_S).

Natera, Inc.
Classification: Pathogenic for Limb-girdle muscular dystrophy type 2B. Last evaluated: 2026-01-20. Review status: criteria provided, single submitter. Criteria: Natera Variant Classification Schema (03/2026). Collection method: clinical testing. Allele origin: germline. Not counted in ClinVar's aggregate classification.
Comment: The c.5979dupA variant in DYSF is a frameshift variant predicted to shift the reading frame beginning at codon 1994 and leads to a stop codon 3 codons downstream. This variant is expected to result in nonsense mediated decay, truncation, or a dysfunctional protein product. This variant is rare in the general population with a frequency below the threshold expected for the associated phenotype(s). This variant has been observed in one or more individuals affected with the associated recessive disease, as either homozygous or compound heterozygous with a second variant (PMID: 22194990). Given the available evidence, this variant is classified as Pathogenic.

Labcorp Genetics (formerly Invitae), Labcorp
Classification: Pathogenic for Neuromuscular disease caused by qualitative or quantitative defects of dysferlin. Last evaluated: 2025-12-13. Review status: criteria provided, single submitter. Criteria: Invitae Variant Classification Sherloc (09022015). Collection method: clinical testing. Allele origin: germline. Not counted in ClinVar's aggregate classification.
Comment: This sequence change creates a premature translational stop signal (p.Glu1994Argfs*3) in the DYSF gene. It is expected to result in an absent or disrupted protein product. Loss-of-function variants in DYSF are known to be pathogenic (PMID: 17698709, 20301480). This variant is present in population databases (rs780234359, gnomAD 0.02%). This premature translational stop signal has been observed in individuals with limb-girdle muscular dystrophy type 2B and Miyoshi myopathy (PMID: 11053681, 16010686, 16100712, 17070050, 17698709, 18853459, 19528035, 22194990, 26404900, 27447704, 27602406, 27858744). ClinVar contains an entry for this variant (Variation ID: 94351). For these reasons, this variant has been classified as Pathogenic.

Women's Health and Genetics/Laboratory Corporation of America, LabCorp
Classification: Pathogenic for Autosomal recessive limb-girdle muscular dystrophy type 2B. Last evaluated: 2025-10-13. Review status: criteria provided, single submitter. Criteria: LabCorp Variant Classification Summary - May 2015. Collection method: clinical testing. Allele origin: germline. Not counted in ClinVar's aggregate classification.
Comment: Variant summary: DYSF c.5979dupA (p.Glu1994ArgfsX3) results in a premature termination codon, predicted to cause a truncation of the encoded protein or absence of the protein due to nonsense mediated decay, which are commonly known mechanisms for disease. The variant allele was found at a frequency of 4.8e-05 in 251296 control chromosomes (gnomAD). This frequency is not significantly higher than estimated for disease-causing variants in DYSF, allowing no conclusion about variant significance. c.5979dupA has been observed in several homozygous and compound heterozygous individuals affected with Dysferlinopathy (e.g. Woudt_2015), and dysferlin protein expression was shown to be absent in the skeletal muscle of multiple patients. These data indicate that the variant is very likely to be associated with disease. The following publication have been ascertained in the context of this evaluation (PMID: 25900324). ClinVar contains an entry for this variant (Variation ID: 94351). Based on the evidence outlined above, the variant was classified as pathogenic.

Dasa
Classification: Pathogenic. Last evaluated: 2025-08-23. Review status: criteria provided, single submitter. Criteria: DASA Assertion Criteria. Collection method: clinical testing. Allele origin: germline. Not counted in ClinVar's aggregate classification.
Comment: NM_001130987.2(DYSF):c.6096dup (p.Glu2033ArgfsTer3) introduces a premature termination codon predicted to result in loss of normal protein function. Loss-of-function is an established mechanism of disease for this gene. This variant has been recurrently observed in individuals with related phenotype (PMID: 11053681; PMID: 16010686; PMID: 16100712; PMID: 17070050; PMID: 17698709). The variant is present at low frequency in population datasets. Based on the available data, this variant is classified as pathogenic.

Athena Diagnostics
Classification: Pathogenic. Last evaluated: 2025-07-14. Review status: criteria provided, single submitter. Criteria: Athena Diagnostics Criteria. Collection method: clinical testing. Allele origin: unknown. Not counted in ClinVar's aggregate classification.
Comment: This variant is expected to result in the loss of a functional protein. The frequency of this variant in the general population is consistent with pathogenicity. In multiple individuals, this variant has been seen with a single recessive pathogenic variant in the same gene, suggesting this variant may also be pathogenic. Computational tools yielded predictions that this variant is unlikely to have an effect on normal RNA splicing.

3billion
Classification: Pathogenic for Miyoshi muscular dystrophy 1. Last evaluated: 2025-04-10. Review status: criteria provided, single submitter. Criteria: ACMG Guidelines, 2015. Collection method: clinical testing. Allele origin: germline. Affected: yes. Not counted in ClinVar's aggregate classification.

Blueprint Genetics
Classification: Pathogenic for DYSF-related disorders. Last evaluated: 2024-11-26. Review status: criteria provided, single submitter. Criteria: ACMG Guidelines, 2015. Collection method: clinical testing. Allele origin: germline. Affected: yes. Observed: 2 variant alleles. Not counted in ClinVar's aggregate classification.

Revvity Omics, Revvity
Classification: Pathogenic. Last evaluated: 2024-11-14. Review status: criteria provided, single submitter. Criteria: ACMG Guidelines, 2015. Collection method: clinical testing. Allele origin: germline. Not counted in ClinVar's aggregate classification.

Baylor Genetics
Classification: Pathogenic for Miyoshi muscular dystrophy 1. Last evaluated: 2024-03-23. Review status: criteria provided, single submitter. Criteria: ACMG Guidelines, 2015. Collection method: clinical testing. Allele origin: unknown. Not counted in ClinVar's aggregate classification.

NM_001130987.2(DYSF):c.6096dup (p.Glu2033fs)

Gene: DYSF (dysferlin; plus strand). Cytogenetic location: 2p13.2.
Variant type: Duplication.
Coding change: c.6096dup on transcript NM_001130987.2 (MANE Select); coding-DNA position 6096, one base duplicated (A; older notation c.6096dupA).
Protein change: p.Glu2033fs; shifts the reading frame from glutamic acid 2033.
Molecular consequence: frameshift variant.
Genome position (GRCh38, 1-based): chr2:71,681,033, A duplicated. VCF-style (leftmost placement, unchanged base first): chr2-71681032-C-CA. GRCh37 (hg19) VCF-style: chr2-71908162-C-CA.
Other names: NM_001130987.2(DYSF):c.6096dup; p.Glu2033fs; c.5979dupA (NM_003494.4); c.6096dupA (NM_001130987.1); c.5982dup, p.Glu1995fs (NM_001130455.2); c.5937dup, p.Glu1980fs (NM_001130976.2); c.6000dup, p.Glu2001fs (NM_001130977.2); c.6042dup, p.Glu2015fs (NM_001130978.2); and 9 more; short protein forms E2012fs, E2015fs, E2032fs, E1995fs, E2001fs, E2011fs, E2016fs, E2033fs.
Identifiers: ClinVar variation 94351 (VCV000094351.36), dbSNP rs398123799, ClinGen allele CA222200.